The following is an entry in ClinVar:

ClinVar aggregate classification (germline): Benign/Likely benign. Review status: criteria provided, multiple submitters, no conflicts (2 of 4 stars). 5 submissions from 5 submitters: Benign (1); Likely benign (4). Last evaluated 2024-08-09.

Conditions:
Hereditary cancer-predisposing syndrome. Also called: Hereditary Cancer Syndrome; Tumor predisposition; Neoplastic Syndromes, Hereditary; Hereditary neoplastic syndrome. Identifiers: Orphanet 140162, MedGen C0027672, MeSH D009386, MONDO:0015356.
Ataxia-telangiectasia syndrome (AT). Also called: Cerebello-oculocutaneous telangiectasia; Immunodeficiency with ataxia telangiectasia; AT, COMPLEMENTATION GROUP C; Ataxia-telangiectasia, complementation group D; LOUIS-BAR SYNDROME; Ataxia-telangiectasia, complementation group E. Identifiers: Orphanet 100, MedGen C0004135, MONDO:0008840, OMIM 208900.
Familial cancer of breast. Also called: BREAST CANCER, FAMILIAL; Hereditary breast cancer; hereditary breast carcinoma. Identifiers: Orphanet 227535, MedGen C0346153, MONDO:0016419, OMIM 114480. Disease mechanism: loss of function.

Submissions (5):

Women's Health and Genetics/Laboratory Corporation of America, LabCorp
Classification: Likely benign. Last evaluated: 2024-08-09. Review status: criteria provided, single submitter. Criteria: LabCorp Variant Classification Summary - May 2015. Collection method: clinical testing. Allele origin: germline.

Myriad Genetics, Inc.
Classification: Benign for Familial cancer of breast. Last evaluated: 2024-05-07. Review status: criteria provided, single submitter. Criteria: Myriad Autosomal Dominant, Autosomal Recessive and X-Linked Classification Criteria (2023). Collection method: clinical testing. Allele origin: unknown.
Comment: This variant is considered benign. This variant is a silent/synonymous amino acid change and it is not expected to impact splicing.

Labcorp Genetics (formerly Invitae), Labcorp
Classification: Likely benign for Ataxia-telangiectasia syndrome. Last evaluated: 2023-10-04. Review status: criteria provided, single submitter. Criteria: Invitae Variant Classification Sherloc (09022015). Collection method: clinical testing. Allele origin: germline.

Ambry Genetics
Classification: Likely benign for Hereditary cancer-predisposing syndrome. Last evaluated: 2019-10-01. Review status: criteria provided, single submitter. Criteria: Ambry Variant Classification Scheme 2023. Collection method: clinical testing. Allele origin: germline.

GeneDx
Classification: Likely benign. Last evaluated: 2017-08-21. Review status: criteria provided, single submitter. Criteria: GeneDx Variant Classification (06012015). Collection method: clinical testing. Allele origin: germline. Affected: yes.
Comment: This variant is considered likely benign or benign based on one or more of the following criteria: it is a conservative change, it occurs at a poorly conserved position in the protein, it is predicted to be benign by multiple in silico algorithms, and/or has population frequency not consistent with disease.

NM_000051.4(ATM):c.2068C>T (p.Leu690=)

Gene: ATM (ATM serine/threonine kinase; plus strand). Cytogenetic location: 11q22.3.
Variant type: single nucleotide variant.
Coding change: c.2068C>T on transcript NM_000051.4 (MANE Select); coding-DNA position 2068, C replaced by T.
Protein change: p.Leu690=; no amino-acid change (leucine 690 retained).
Molecular consequence: synonymous variant.
Genome position (GRCh38, 1-based): chr11:108,253,983, C>T. VCF-style: chr11-108253983-C-T. GRCh37 (hg19) VCF-style: chr11-108124710-C-T.
Other names: c.2068C>T, p.Leu690= (NM_001351834.2).
Identifiers: ClinVar variation 511605 (VCV000511605.13), dbSNP rs1555073437, ClinGen allele CA476672435.